The following is an entry in ClinVar:

ClinVar aggregate classification (germline): Likely benign (1 of 4 stars; one submission).

Allele frequency attached by ClinVar (database versions not stated): gnomAD exomes below 0.00001.
gnomAD v4.1: 2 of 1,440,378 alleles (0.00014%); highest among the groups gnomAD compares: Admixed American, 0.0055%; no homozygotes.

Submission:

GeneDx
Classification: Likely benign. Last evaluated: 2017-06-26. Review status: criteria provided, single submitter. Criteria: GeneDx Variant Classification (06012015). Collection method: clinical testing. Allele origin: germline. Affected: yes.
Comment: This variant is considered likely benign or benign based on one or more of the following criteria: it is a conservative change, it occurs at a poorly conserved position in the protein, it is predicted to be benign by multiple in silico algorithms, and/or has population frequency not consistent with disease.

NM_017617.5(NOTCH1):c.61+14C>T

Gene: NOTCH1 (notch receptor 1; minus strand). Cytogenetic location: 9q34.3.
Variant type: single nucleotide variant.
Coding change: c.61+14C>T on transcript NM_017617.5 (MANE Select); 14 bases into the intron after coding-DNA position 61, C replaced by T.
Molecular consequence: intron variant.
Genome position (GRCh38, 1-based): chr9:136,545,712, G>A on the plus strand (C>T on the coding strand, the complement: NOTCH1 is on the minus strand). VCF-style: chr9-136545712-G-A. GRCh37 (hg19) VCF-style: chr9-139440164-G-A.
Other names: c.61+14C>T (LRG_1122t1).
Identifiers: ClinVar variation 518160 (VCV000518160.1), dbSNP rs1425831389, ClinGen allele CA591185357.
Genomic context (GRCh38, chr9:136,545,712, plus strand): 5'-GCGCGCGCGCCGGGCGCCGCCAAAGTTTCCAAAGGGCGCGGAAAGTGGGGGCTCGCGGGT[G>A]GGTGGGCGCCTACCTCGTGCGGCGAGCGCGGGCAGCAGCGCCAGGCAGAGCAGGGGCGCC-3'